The following is an entry in ClinVar:

NM_023110.3(FGFR1):c.1977+1G>T

Gene: FGFR1 (fibroblast growth factor receptor 1; minus strand). Cytogenetic location: 8p11.23.
Variant type: single nucleotide variant.
Coding change: c.1977+1G>T on transcript NM_023110.3 (MANE Select); the canonical splice donor site of the intron after coding-DNA position 1977, G replaced by T.
Molecular consequence: splice donor variant.
Genome position (GRCh38, 1-based): chr8:38,414,778, C>A on the plus strand (G>T on the coding strand, the complement: FGFR1 is on the minus strand). VCF-style: chr8-38414778-C-A. GRCh37 (hg19) VCF-style: chr8-38272296-C-A.
Other names: c.1698+1G>T (NM_001354368.2); c.1704+1G>T (NM_001354370.2, NM_023106.3); c.1710+1G>T (NM_023105.3, NM_001174066.2); c.1971+1G>T (NM_001354367.2, NM_015850.4, NM_001174063.2 and 1 more transcripts); c.1947+1G>T (NM_001174064.2); c.1965+1G>T (NM_001354369.2, NM_001410922.1); c.2070+1G>T (NM_001174067.2).
Identifiers: ClinVar variation 2505401 (VCV002505401.3), dbSNP rs876661334, ClinGen allele CA370729947.

ClinVar aggregate classification (germline): Pathogenic/Likely pathogenic. Review status: criteria provided, multiple submitters, no conflicts (2 of 4 stars). 2 submissions from 2 submitters: Pathogenic (1); Likely pathogenic (1). Last evaluated 2025-01-20.

Conditions:
Hypogonadotropic hypogonadism 2 with or without anosmia (HH2). Also called: FGFR1-Related GnRH Deficiency (Kallmann Syndrome 2); HYPOGONADOTROPIC HYPOGONADISM 2 WITHOUT ANOSMIA; HYPOGONADOTROPIC HYPOGONADISM 2 WITH OR WITHOUT ANOSMIA, SUSCEPTIBILITY TO; HYPOGONADOTROPIC HYPOGONADISM 2 WITHOUT ANOSMIA, SUSCEPTIBILITY TO. Identifiers: Orphanet 478, MedGen C1563720, MONDO:0007844, OMIM 147950. Disease mechanism: loss of function.
Pfeiffer syndrome (ACS5). Also called: ACS V. Identifiers: Orphanet 710, MedGen C0220658, MONDO:0007043, OMIM 101600.

Submissions (2):

Labcorp Genetics (formerly Invitae), Labcorp
Classification: Pathogenic for Pfeiffer syndrome; Hypogonadotropic hypogonadism 2 with or without anosmia. Last evaluated: 2025-01-20. Review status: criteria provided, single submitter. Criteria: Invitae Variant Classification Sherloc (09022015). Collection method: clinical testing. Allele origin: germline.
Comment: This sequence change affects a donor splice site in intron 14 of the FGFR1 gene. It is expected to disrupt RNA splicing. Variants that disrupt the donor or acceptor splice site typically lead to a loss of protein function (PMID: 16199547), and loss-of-function variants in FGFR1 are known to be pathogenic (PMID: 12627230). This variant is not present in population databases (gnomAD no frequency). Disruption of this splice site has been observed in individuals with Kallmann syndrome (PMID: 17154279, 31200363). ClinVar contains an entry for this variant (Variation ID: 2505401). Algorithms developed to predict the effect of sequence changes on RNA splicing suggest that this variant may disrupt the consensus splice site. For these reasons, this variant has been classified as Pathogenic.

Reproductive Endocrine Unit, Massachusetts General Hospital
Classification: Likely pathogenic for Hypogonadotropic hypogonadism 2 with or without anosmia. Last evaluated: 2023-05-04. Review status: criteria provided, single submitter. Criteria: ACMG Guidelines, 2015. Collection method: research. Allele origin: unknown. Affected: yes. Observed: 1 variant allele.
Comment: The variant NM_023110.2:c.1977+1G>T, has been classified as LP1 based on the variant meeting the following ACMG Criteria: PVS1,PM2.

Literature cited by the submitters: PubMed 16199547 (cited by Labcorp Genetics (formerly Invitae), Labcorp); PubMed 12627230 (cited by Labcorp Genetics (formerly Invitae), Labcorp); PubMed 17154279 (cited by Labcorp Genetics (formerly Invitae), Labcorp); PubMed 31200363 (cited by Labcorp Genetics (formerly Invitae), Labcorp).